The following is an entry in ClinVar:

ClinVar aggregate classification (germline): Pathogenic (1 of 4 stars; one submission).

Conditions:
Inborn genetic diseases. Identifiers: MedGen C0950123, MeSH D030342.

Allele frequency attached by ClinVar (database versions not stated): ExAC 0.00002; gnomAD 0.00002; TOPMed 0.00002.
gnomAD v4.1: 174 of 1,613,774 alleles (0.011%); highest among the groups gnomAD compares: Non-Finnish European, 0.014%; no homozygotes.

Submission:

Ambry Genetics
Classification: Pathogenic for Inborn genetic diseases. Last evaluated: 2022-06-10. Review status: criteria provided, single submitter. Criteria: Ambry Variant Classification Scheme 2023. Collection method: clinical testing. Allele origin: germline.
Comment: The c.283C>T (p.R95*) alteration, located in exon 5 (coding exon 4) of the TTC12 gene, consists of a C to T substitution at nucleotide position 283. This changes the amino acid from an arginine (R) to a stop codon at amino acid position 95. This alteration is expected to result in loss of function by premature protein truncation or nonsense-mediated mRNA decay. Based on data from gnomAD, the T allele has an overall frequency of 0.004% (11/251150) total alleles studied. The highest observed frequency was 0.01% (1/10072) of Ashkenazi Jewish alleles. Based on the available evidence, this alteration is classified as pathogenic.

NM_017868.4(TTC12):c.283C>T (p.Arg95Ter)

Gene: TTC12 (tetratricopeptide repeat domain 12; plus strand). Cytogenetic location: 11q23.2.
Variant type: single nucleotide variant.
Coding change: c.283C>T on transcript NM_017868.4 (MANE Select); coding-DNA position 283, C replaced by T.
Protein change: p.Arg95Ter; replaces arginine 95 with a stop codon.
Molecular consequence: nonsense. On other transcripts: non-coding transcript variant (2).
Genome position (GRCh38, 1-based): chr11:113,324,643, C>T. VCF-style: chr11-113324643-C-T. GRCh37 (hg19) VCF-style: chr11-113195365-C-T.
Other names: c.283C>T, p.Arg95Ter (NM_001318533.2, NM_001378064.1, NM_001378065.1); c.208C>T, p.Arg70Ter (NM_001352037.2, NM_001378063.1); short protein forms R70*, R95*.
Identifiers: ClinVar variation 2377549 (VCV002377549.2), dbSNP rs782378503, ClinGen allele CA6279771.